The following is an entry in ClinVar:

ClinVar aggregate classification (germline): Uncertain significance (1 of 4 stars; one submission).

Conditions:
Familial adenomatous polyposis 1 (FAP1). Also called: FAMILIAL ADENOMATOUS POLYPOSIS 1, ATTENUATED; POLYPOSIS, ADENOMATOUS INTESTINAL. Identifiers: MedGen C2713442, MONDO:0021056, OMIM 175100. Disease mechanism: loss of function.

Allele frequency attached by ClinVar (database versions not stated): gnomAD 0.00001; TOPMed 0.00001.
gnomAD v4.1: 20 of 1,368,728 alleles (0.0015%); highest among the groups gnomAD compares: Non-Finnish European, 0.0019%; no homozygotes.

Submission:

Labcorp Genetics (formerly Invitae), Labcorp
Classification: Uncertain significance for Familial adenomatous polyposis 1. Last evaluated: 2025-09-28. Review status: criteria provided, single submitter. Criteria: Invitae Variant Classification Sherloc (09022015). Collection method: clinical testing. Allele origin: germline.
Comment: This variant occurs in a non-coding region of the APC gene. It does not change the encoded amino acid sequence of the APC protein. This variant is not present in population databases (gnomAD no frequency). This variant has not been reported in the literature in individuals affected with APC-related conditions. Experimental studies and prediction algorithms are not available or were not evaluated, and the functional significance of this variant is currently unknown. In summary, the available evidence is currently insufficient to determine the role of this variant in disease. Therefore, it has been classified as a Variant of Uncertain Significance.

NM_001127511.3(APC):c.156C>T (p.Ser52=)

Gene: APC (APC regulator of Wnt signaling pathway; plus strand). Cytogenetic location: 5q22.2.
Variant type: single nucleotide variant.
Coding change: c.156C>T on transcript NM_001127511.3; coding-DNA position 156, C replaced by T.
Protein change: p.Ser52=; no amino-acid change (serine 52 retained).
Molecular consequence: synonymous variant. On other transcripts: 5 prime UTR variant (8), non-coding transcript variant (1), intron variant (5).
Genome position (GRCh38, 1-based): chr5:112,707,873, C>T. VCF-style: chr5-112707873-C-T. GRCh37 (hg19) VCF-style: chr5-112043570-C-T.
Other names: c.-28C>T (NM_001407447.1, NM_001407452.1, NM_001407456.1 and 3 more transcripts); c.-1063C>T (NM_001407470.1, NM_001407472.1); c.-19+224C>T (NM_001407448.1, NM_001407450.1, NM_001407457.1 and 1 more transcripts); c.-43+224C>T (NM_001407453.1); c.156C>T, p.Ser52= (NM_001354897.2, NM_001354902.2, NM_001407446.1).
Identifiers: ClinVar variation 1020281 (VCV001020281.7), dbSNP rs1051954601, ClinGen allele CA124925245.